The following is an entry in ClinVar:

NM_001386795.1(DTNA):c.2283T>C (p.Asp761=)

Gene: DTNA (dystrobrevin alpha; plus strand). Cytogenetic location: 18q12.1.
Variant type: single nucleotide variant.
Coding change: c.2283T>C on transcript NM_001386795.1 (MANE Select); coding-DNA position 2283, T replaced by C.
Protein change: p.Asp761=; no amino-acid change (aspartic acid 761 retained).
Molecular consequence: synonymous variant.
Genome position (GRCh38, 1-based): chr18:34,882,189, T>C. VCF-style: chr18-34882189-T-C. GRCh37 (hg19) VCF-style: chr18-32462153-T-C.
Other names: c.2022T>C, p.Asp674= (NM_001198938.2, NM_001198940.2, NM_001386753.1 and 5 more transcripts); c.2043T>C, p.Asp681= (NM_001198939.2); c.1329T>C, p.Asp443= (NM_001198942.1); c.1272T>C, p.Asp424= (NM_001198943.1); c.1158T>C, p.Asp386= (NM_001198944.1); c.2112T>C, p.Asp704= (NM_001386754.1, NM_001386755.1, NM_001386756.1 and 3 more transcripts); c.2109T>C, p.Asp703= (NM_001386760.1); c.2031T>C, p.Asp677= (NM_001386761.1, NM_032975.4); and 5 more.
Identifiers: ClinVar variation 1317094 (VCV001317094.12), dbSNP rs187028045, ClinGen allele CA8935976.

ClinVar aggregate classification (germline): Likely benign. Review status: criteria provided, multiple submitters, no conflicts (2 of 4 stars). 4 submissions from 4 submitters: Likely benign (3). 1 of the submissions does not count toward it. Last evaluated 2025-11-27.

Conditions:
Left ventricular noncompaction 1 (LVNC1). Also called: LEFT VENTRICULAR NONCOMPACTION 1 WITH OR WITHOUT CONGENITAL HEART DEFECTS. Identifiers: Orphanet 54260, MedGen C1858725, MONDO:0011403, OMIM 604169.
DTNA-related disorder. Also called: DTNA-related condition.

Allele frequency attached by ClinVar (database versions not stated): gnomAD exomes 0.00001 and 0.00003; ExAC 0.00003; gnomAD 0.00019 and 0.00020; TOPMed 0.00036; 1000 Genomes Project 30x 0.00078; 1000 Genomes Project 0.00080.
gnomAD v4.1: 56 of 1,613,932 alleles (0.0035%); highest among the groups gnomAD compares: Admixed American, 0.067%; 1 homozygote.

Submissions (4):

Labcorp Genetics (formerly Invitae), Labcorp
Classification: Likely benign for Left ventricular noncompaction 1. Last evaluated: 2025-11-27. Review status: criteria provided, single submitter. Criteria: Invitae Variant Classification Sherloc (09022015). Collection method: clinical testing. Allele origin: germline.

Women's Health and Genetics/Laboratory Corporation of America, LabCorp
Classification: Likely benign. Last evaluated: 2025-10-18. Review status: criteria provided, single submitter. Criteria: LabCorp Variant Classification Summary - May 2015. Collection method: clinical testing. Allele origin: germline.

GeneDx
Classification: Likely benign. Last evaluated: 2020-11-06. Review status: criteria provided, single submitter. Criteria: GeneDx Variant Classification Process June 2021. Collection method: clinical testing. Allele origin: germline. Affected: yes.

PreventionGenetics, part of Exact Sciences
Classification: Likely benign for DTNA-related condition. Last evaluated: 2019-08-19. Review status: no assertion criteria provided. Collection method: clinical testing. Allele origin: germline. Not counted in ClinVar's aggregate classification.
Comment: This variant is classified as likely benign based on ACMG/AMP sequence variant interpretation guidelines (Richards et al. 2015 PMID: 25741868, with internal and published modifications).